The following is an entry in ClinVar:

ClinVar aggregate classification (germline): Uncertain significance (1 of 4 stars; one submission).

Allele frequency attached by ClinVar (database versions not stated): gnomAD exomes below 0.00001.
gnomAD v4.1: 3 of 1,614,218 alleles (0.00019%); highest among the groups gnomAD compares: Non-Finnish European, 0.00025%; no homozygotes.

Submission:

CeGaT Center for Human Genetics Tuebingen
Classification: Uncertain significance. Last evaluated: 2024-03-01. Review status: criteria provided, single submitter. Criteria: CeGaT Center For Human Genetics Tuebingen Variant Classification Criteria Version 2. Collection method: clinical testing. Allele origin: germline. Affected: yes. Observed: 1 variant allele.
Comment: SPTB: PM2

NM_001355436.2(SPTB):c.1534T>G (p.Tyr512Asp)

Gene: SPTB (spectrin beta, erythrocytic; minus strand). Cytogenetic location: 14q23.3.
Variant type: single nucleotide variant.
Coding change: c.1534T>G on transcript NM_001355436.2 (MANE Select); coding-DNA position 1534, T replaced by G.
Protein change: p.Tyr512Asp; replaces tyrosine 512 with aspartic acid.
Molecular consequence: missense variant.
Genome position (GRCh38, 1-based): chr14:64,795,447, A>C on the plus strand (T>G on the coding strand, the complement: SPTB is on the minus strand). VCF-style: chr14-64795447-A-C. GRCh37 (hg19) VCF-style: chr14-65262165-A-C.
Other names: c.1534T>G, p.Tyr512Asp (NM_001024858.4, NM_001355437.2); short protein forms Y512D.
Identifiers: ClinVar variation 3067641 (VCV003067641.21), dbSNP rs2503173889, ClinGen allele CA390023293.
Genomic context (GRCh38, chr14:64,795,447, plus strand): 5'-TCTGCAGTGCCAGGGTGGTCTCGAGCCTCTGGCGCCGGGACTGCAGCAGCTCCTGCAGGT[A>C]GCTCCATAGGCGCAGTATATTGTCCTTGCGGGCCGTGATGCGCTTCTGGTCATGGTAGTT-3'
Protein context (NP_001342365.1, residues 502-522): RKDNILRLWS[Tyr512Asp]LQELLQSRRQ